The following is an entry in ClinVar:

ClinVar aggregate classification (germline): Uncertain significance (1 of 4 stars; one submission).

Submission:

Labcorp Genetics (formerly Invitae), Labcorp
Classification: Uncertain significance. Last evaluated: 2022-09-13. Review status: criteria provided, single submitter. Criteria: Invitae Variant Classification Sherloc (09022015). Collection method: clinical testing. Allele origin: germline.
Comment: ClinVar contains an entry for this variant (Variation ID: 1483612). In summary, the available evidence is currently insufficient to determine the role of this variant in disease. Therefore, it has been classified as a Variant of Uncertain Significance. This sequence change creates a premature translational stop signal (p.Glu216*) in the POC5 gene. It is expected to result in an absent or disrupted protein product. However, the current clinical and genetic evidence is not sufficient to establish whether loss-of-function variants in POC5 cause disease. This variant is not present in population databases (gnomAD no frequency). This variant has not been reported in the literature in individuals affected with POC5-related conditions.

NM_001099271.2(POC5):c.646G>T (p.Glu216Ter)

Gene: POC5 (POC5 centriolar protein; minus strand). Cytogenetic location: 5q13.3.
Variant type: single nucleotide variant.
Coding change: c.646G>T on transcript NM_001099271.2 (MANE Select); coding-DNA position 646, G replaced by T.
Protein change: p.Glu216Ter; replaces glutamic acid 216 with a stop codon.
Molecular consequence: nonsense.
Genome position (GRCh38, 1-based): chr5:75,694,699, C>A on the plus strand (G>T on the coding strand, the complement: POC5 is on the minus strand). VCF-style: chr5-75694699-C-A. GRCh37 (hg19) VCF-style: chr5-74990524-C-A.
Other names: c.571G>T, p.Glu191Ter (NM_152408.3); short protein forms E216*, E191*.
Identifiers: ClinVar variation 1483612 (VCV001483612.6), dbSNP rs2112135768, ClinGen allele CA360147970.